The following is an entry in ClinVar:

NM_000256.3(MYBPC3):c.3499T>C (p.Tyr1167His)

Gene: MYBPC3 (myosin binding protein C3; minus strand). Cytogenetic location: 11p11.2.
Variant type: single nucleotide variant.
Coding change: c.3499T>C on transcript NM_000256.3 (MANE Select); coding-DNA position 3499, T replaced by C.
Protein change: p.Tyr1167His; replaces tyrosine 1167 with histidine.
Molecular consequence: missense variant.
Genome position (GRCh38, 1-based): chr11:47,332,694, A>G on the plus strand (T>C on the coding strand, the complement: MYBPC3 is on the minus strand). VCF-style: chr11-47332694-A-G. GRCh37 (hg19) VCF-style: chr11-47354245-A-G.
Other names: short protein forms Y1167H.
Identifiers: ClinVar variation 1732012 (VCV001732012.6), dbSNP rs2495738230, ClinGen allele CA380312897.

ClinVar aggregate classification (germline): Uncertain significance. Review status: criteria provided, multiple submitters, no conflicts (2 of 4 stars). 3 submissions from 3 submitters: Uncertain significance (3). Last evaluated 2025-12-08.

Conditions:
Cardiovascular phenotype. Identifiers: MedGen CN230736.
Hypertrophic cardiomyopathy. Also called: HYPERTROPHIC MYOCARDIOPATHY. Identifiers: Orphanet 217569, MedGen C0007194, MeSH D002312, MONDO:0005045, HP:0001639.

Allele frequency attached by ClinVar (database versions not stated): gnomAD exomes below 0.00001.
gnomAD v4.1: 1 of 1,609,498 alleles (0.000062%); highest among the groups gnomAD compares: Admixed American, 0.0017%; no homozygotes.

Submissions (3):

Labcorp Genetics (formerly Invitae), Labcorp
Classification: Uncertain significance for Hypertrophic cardiomyopathy. Last evaluated: 2025-12-08. Review status: criteria provided, single submitter. Criteria: Invitae Variant Classification Sherloc (09022015). Collection method: clinical testing. Allele origin: germline.
Comment: This sequence change replaces tyrosine, which is neutral and polar, with histidine, which is basic and polar, at codon 1167 of the MYBPC3 protein (p.Tyr1167His). This variant is not present in population databases (gnomAD no frequency). This variant has not been reported in the literature in individuals affected with MYBPC3-related conditions. ClinVar contains an entry for this variant (Variation ID: 1732012). An algorithm developed to predict the effect of missense changes on protein structure and function (PolyPhen-2) suggests that this variant is likely to be disruptive. In summary, the available evidence is currently insufficient to determine the role of this variant in disease. Therefore, it has been classified as a Variant of Uncertain Significance.

GeneDx
Classification: Uncertain significance. Last evaluated: 2025-06-18. Review status: criteria provided, single submitter. Criteria: GeneDx Variant Classification Process June 2021. Collection method: clinical testing. Allele origin: germline. Affected: yes.
Comment: Not observed at significant frequency in large population cohorts (gnomAD); In silico analysis supports that this missense variant has a deleterious effect on protein structure/function; Has not been previously published as pathogenic or benign to our knowledge

Ambry Genetics
Classification: Uncertain significance for Cardiovascular phenotype. Last evaluated: 2025-05-27. Review status: criteria provided, single submitter. Criteria: Ambry Variant Classification Scheme 2023. Collection method: clinical testing. Allele origin: germline.
Comment: The p.Y1167H variant (also known as c.3499T>C), located in coding exon 32 of the MYBPC3 gene, results from a T to C substitution at nucleotide position 3499. The tyrosine at codon 1167 is replaced by histidine, an amino acid with similar properties. This amino acid position is conserved. In addition, this alteration is predicted to be deleterious by in silico analysis. Since supporting evidence is limited at this time, the clinical significance of this alteration remains unclear.